The following is an entry in ClinVar:

NM_005560.6(LAMA5):c.196G>A (p.Glu66Lys)

Genes: LAMA5 (laminin subunit alpha 5; minus strand), LOC130066305 (ATAC-STARR-seq lymphoblastoid silent region 13109; plus strand). Cytogenetic location: 20q13.33.
Variant type: single nucleotide variant.
Coding change: c.196G>A on transcript NM_005560.6 (MANE Select); coding-DNA position 196, G replaced by A.
Protein change: p.Glu66Lys; replaces glutamic acid 66 with lysine.
Molecular consequence: missense variant.
Genome position (GRCh38, 1-based): chr20:62,367,050, C>T on the plus strand (G>A on the coding strand, the complement: LAMA5 is on the minus strand). VCF-style: chr20-62367050-C-T. GRCh37 (hg19) VCF-style: chr20-60942106-C-T.
Other names: short protein forms E66K.
Identifiers: ClinVar variation 2184881 (VCV002184881.1), dbSNP rs915397036, ClinGen allele CA317221924.

ClinVar aggregate classification (germline): Uncertain significance (1 of 4 stars; one submission).

Allele frequency attached by ClinVar (database versions not stated): gnomAD exomes 0.00001; TOPMed 0.00002.
gnomAD v4.1: 18 of 1,266,624 alleles (0.0014%); highest among the groups gnomAD compares: Non-Finnish European, 0.0017%; no homozygotes.

Submission:

Labcorp Genetics (formerly Invitae), Labcorp
Classification: Uncertain significance. Last evaluated: 2022-08-02. Review status: criteria provided, single submitter. Criteria: Invitae Variant Classification Sherloc (09022015). Collection method: clinical testing. Allele origin: germline.
Comment: This sequence change replaces glutamic acid, which is acidic and polar, with lysine, which is basic and polar, at codon 66 of the LAMA5 protein (p.Glu66Lys). This variant is not present in population databases (gnomAD no frequency). This variant has not been reported in the literature in individuals affected with LAMA5-related conditions. Algorithms developed to predict the effect of missense changes on protein structure and function output the following: SIFT: "Deleterious"; PolyPhen-2: "Possibly Damaging"; Align-GVGD: "Class C0". The lysine amino acid residue is found in multiple mammalian species, which suggests that this missense change does not adversely affect protein function. In summary, the available evidence is currently insufficient to determine the role of this variant in disease. Therefore, it has been classified as a Variant of Uncertain Significance.